The following is an entry in ClinVar:

ClinVar aggregate classification (germline): Uncertain significance (1 of 4 stars; one submission).

Submission:

CeGaT Center for Human Genetics Tuebingen
Classification: Uncertain significance. Last evaluated: 2023-02-01. Review status: criteria provided, single submitter. Criteria: CeGaT Center For Human Genetics Tuebingen Variant Classification Criteria Version 2. Collection method: clinical testing. Allele origin: germline. Affected: yes. Observed: 1 variant allele.
Comment: GJB3: PM2, PP3

NM_024009.3(GJB3):c.233C>A (p.Ala78Asp)

Gene: GJB3 (gap junction protein beta 3; plus strand). Cytogenetic location: 1p34.3.
Variant type: single nucleotide variant.
Coding change: c.233C>A on transcript NM_024009.3 (MANE Select); coding-DNA position 233, C replaced by A.
Protein change: p.Ala78Asp; replaces alanine 78 with aspartic acid.
Molecular consequence: missense variant.
Genome position (GRCh38, 1-based): chr1:34,784,995, C>A. VCF-style: chr1-34784995-C-A. GRCh37 (hg19) VCF-style: chr1-35250596-C-A.
Other names: c.233C>A, p.Ala78Asp (NM_001005752.2); short protein forms A78D.
Identifiers: ClinVar variation 2498400 (VCV002498400.28), dbSNP rs2521971050, ClinGen allele CA339312358.